The following is an entry in ClinVar:

NM_024537.4(CARS2):c.275+5G>A

Gene: CARS2 (cysteinyl-tRNA synthetase 2, mitochondrial; minus strand). Cytogenetic location: 13q34.
Variant type: single nucleotide variant.
Coding change: c.275+5G>A on transcript NM_024537.4 (MANE Select); 5 bases into the intron after coding-DNA position 275, G replaced by A.
Molecular consequence: intron variant.
Genome position (GRCh38, 1-based): chr13:110,705,516, C>T on the plus strand (G>A on the coding strand, the complement: CARS2 is on the minus strand). VCF-style: chr13-110705516-C-T. GRCh37 (hg19) VCF-style: chr13-111357863-C-T.
Other names: c.-725+5G>A (NM_001352252.2); c.275+5G>A (NM_001352253.3).
Identifiers: ClinVar variation 2069639 (VCV002069639.4), dbSNP rs1382309745, ClinGen allele CA612867157.

ClinVar aggregate classification (germline): Uncertain significance (1 of 4 stars; one submission).

Conditions:
Combined oxidative phosphorylation defect type 27. Also called: Combined oxidative phosphorylation deficiency 27. Identifiers: Orphanet 477774, MedGen C5567608, MONDO:0014728, OMIM 616672.

Allele frequency attached by ClinVar (database versions not stated): gnomAD exomes below 0.00001; gnomAD 0.00001.
gnomAD v4.1: 2 of 1,581,874 alleles (0.00013%); highest among the groups gnomAD compares: Non-Finnish European, 0.00017%; no homozygotes.

Submission:

Labcorp Genetics (formerly Invitae), Labcorp
Classification: Uncertain significance for Combined oxidative phosphorylation defect type 27. Last evaluated: 2022-07-19. Review status: criteria provided, single submitter. Criteria: Invitae Variant Classification Sherloc (09022015). Collection method: clinical testing. Allele origin: germline.
Comment: In summary, the available evidence is currently insufficient to determine the role of this variant in disease. Therefore, it has been classified as a Variant of Uncertain Significance. Variants that disrupt the consensus splice site are a relatively common cause of aberrant splicing (PMID: 17576681, 9536098). Algorithms developed to predict the effect of sequence changes on RNA splicing suggest that this variant may disrupt the consensus splice site. This variant has not been reported in the literature in individuals affected with CARS2-related conditions. The frequency data for this variant in the population databases is considered unreliable, as metrics indicate poor data quality at this position in the gnomAD database. This sequence change falls in intron 2 of the CARS2 gene. It does not directly change the encoded amino acid sequence of the CARS2 protein. It affects a nucleotide within the consensus splice site.

Literature cited by the submitters: PubMed 17576681; PubMed 9536098.